The following is an entry in ClinVar:

NM_002880.4(RAF1):c.835-308C>T

Gene: RAF1 (Raf-1 proto-oncogene, serine/threonine kinase; minus strand). Cytogenetic location: 3p25.2.
Variant type: single nucleotide variant.
Coding change: c.835-308C>T on transcript NM_002880.4 (MANE Select); 308 bases into the intron before coding-DNA position 835, C replaced by T.
Molecular consequence: intron variant.
Genome position (GRCh38, 1-based): chr3:12,600,723, G>A on the plus strand (C>T on the coding strand, the complement: RAF1 is on the minus strand). VCF-style: chr3-12600723-G-A. GRCh37 (hg19) VCF-style: chr3-12642222-G-A.
Other names: c.493-308C>T (NM_001354695.3); c.592-308C>T (NM_001354692.3, NM_001354691.3); c.652-308C>T (NM_001354694.3); c.736-308C>T (NM_001354693.3); c.895-308C>T (NM_001354689.3); c.835-308C>T (NM_001354690.3).
Identifiers: ClinVar variation 2653542 (VCV002653542.24), dbSNP rs530100754, ClinGen allele CA69617263.

ClinVar aggregate classification (germline): Benign (1 of 4 stars; one submission).

Allele frequency attached by ClinVar (database versions not stated): gnomAD 0.00042; TOPMed 0.00044; 1000 Genomes Project 30x 0.00187; 1000 Genomes Project 0.00220.
gnomAD v4.1: 62 of 152,242 alleles (0.041%); highest among the groups gnomAD compares: African/African-American, 0.14%; no homozygotes.

Submission:

CeGaT Center for Human Genetics Tuebingen
Classification: Benign. Last evaluated: 2023-08-01. Review status: criteria provided, single submitter. Criteria: CeGaT Center For Human Genetics Tuebingen Variant Classification Criteria Version 2. Collection method: clinical testing. Allele origin: germline. Affected: yes. Observed: 2 variant alleles.
Comment: RAF1: BS1, BS2